The following is an entry in ClinVar:

NM_006946.4(SPTBN2):c.6989C>T (p.Ala2330Val)

Gene: SPTBN2 (spectrin beta, non-erythrocytic 2; minus strand). Cytogenetic location: 11q13.2.
Variant type: single nucleotide variant.
Coding change: c.6989C>T on transcript NM_006946.4 (MANE Select); coding-DNA position 6989, C replaced by T.
Protein change: p.Ala2330Val; replaces alanine 2330 with valine.
Molecular consequence: missense variant.
Genome position (GRCh38, 1-based): chr11:66,686,055, G>A on the plus strand (C>T on the coding strand, the complement: SPTBN2 is on the minus strand). VCF-style: chr11-66686055-G-A. GRCh37 (hg19) VCF-style: chr11-66453526-G-A.
Other names: c.7010C>T, p.Ala2337Val (NM_001411025.1); short protein forms A2330V, A2337V.
Identifiers: ClinVar variation 2783589 (VCV002783589.3), dbSNP rs777270558, ClinGen allele CA6127667.

ClinVar aggregate classification (germline): Uncertain significance (1 of 4 stars; one submission).

Allele frequency attached by ClinVar (database versions not stated): gnomAD 0.00001; TOPMed 0.00001; gnomAD exomes below 0.00001; ExAC 0.00001.
gnomAD v4.1: 6 of 1,613,692 alleles (0.00037%); highest among the groups gnomAD compares: South Asian, 0.0033%; no homozygotes.

Submission:

Labcorp Genetics (formerly Invitae), Labcorp
Classification: Uncertain significance. Last evaluated: 2025-09-03. Review status: criteria provided, single submitter. Criteria: Invitae Variant Classification Sherloc (09022015). Collection method: clinical testing. Allele origin: germline.
Comment: This sequence change replaces alanine, which is neutral and non-polar, with valine, which is neutral and non-polar, at codon 2330 of the SPTBN2 protein (p.Ala2330Val). This variant is present in population databases (rs777270558, gnomAD no frequency). This variant has not been reported in the literature in individuals affected with SPTBN2-related conditions. ClinVar contains an entry for this variant (Variation ID: 2783589). Invitae Evidence Modeling of protein sequence and biophysical properties (such as structural, functional, and spatial information, amino acid conservation, physicochemical variation, residue mobility, and thermodynamic stability) indicates that this missense variant is not expected to disrupt SPTBN2 protein function with a negative predictive value of 95%. In summary, the available evidence is currently insufficient to determine the role of this variant in disease. Therefore, it has been classified as a Variant of Uncertain Significance.